The following is an entry in ClinVar:

NM_006231.4(POLE):c.4460T>C (p.Ile1487Thr)

Gene: POLE (DNA polymerase epsilon, catalytic subunit; minus strand). Cytogenetic location: 12q24.33.
Variant type: single nucleotide variant.
Coding change: c.4460T>C on transcript NM_006231.4 (MANE Select); coding-DNA position 4460, T replaced by C.
Protein change: p.Ile1487Thr; replaces isoleucine 1487 with threonine.
Molecular consequence: missense variant.
Genome position (GRCh38, 1-based): chr12:132,643,315, A>G on the plus strand (T>C on the coding strand, the complement: POLE is on the minus strand). VCF-style: chr12-132643315-A-G. GRCh37 (hg19) VCF-style: chr12-133219901-A-G.
Other names: c.4460T>C (NM_006231.2); short protein forms I1487T.
Identifiers: ClinVar variation 1488774 (VCV001488774.9), dbSNP rs2138547495, ClinGen allele CA387380752.

ClinVar aggregate classification (germline): Uncertain significance. Review status: criteria provided, multiple submitters, no conflicts (2 of 4 stars). 2 submissions from 2 submitters: Uncertain significance (2). Last evaluated 2026-04-28.

Conditions:
Hereditary cancer-predisposing syndrome. Also called: Tumor predisposition; Neoplastic Syndromes, Hereditary; Hereditary Cancer Syndrome; Hereditary neoplastic syndrome. Identifiers: Orphanet 140162, MedGen C0027672, MeSH D009386, MONDO:0015356.

Submissions (2):

Ambry Genetics
Classification: Uncertain significance for Hereditary cancer-predisposing syndrome. Last evaluated: 2026-04-28. Review status: criteria provided, single submitter. Criteria: Ambry Variant Classification Scheme 2023. Collection method: clinical testing. Allele origin: germline.
Comment: The p.I1487T variant (also known as c.4460T>C), located in coding exon 35 of the POLE gene, results from a T to C substitution at nucleotide position 4460. The isoleucine at codon 1487 is replaced by threonine, an amino acid with similar properties. This amino acid position is conserved. In addition, this alteration is predicted to be tolerated by in silico analysis. Based on the available evidence, the clinical significance of this variant remains unclear.

Labcorp Genetics (formerly Invitae), Labcorp
Classification: Uncertain significance. Last evaluated: 2020-11-25. Review status: criteria provided, single submitter. Criteria: Invitae Variant Classification Sherloc (09022015). Collection method: clinical testing. Allele origin: germline.
Comment: Algorithms developed to predict the effect of missense changes on protein structure and function (SIFT, PolyPhen-2, Align-GVGD) all suggest that this variant is likely to be tolerated, but these predictions have not been confirmed by published functional studies and their clinical significance is uncertain. This variant has not been reported in the literature in individuals with POLE-related conditions. This variant is not present in population databases (ExAC no frequency). This sequence change replaces isoleucine with threonine at codon 1487 of the POLE protein (p.Ile1487Thr). The isoleucine residue is moderately conserved and there is a moderate physicochemical difference between isoleucine and threonine. In summary, the available evidence is currently insufficient to determine the role of this variant in disease. Therefore, it has been classified as a Variant of Uncertain Significance.